The following is an entry in ClinVar:

ClinVar aggregate classification (germline): Uncertain significance (1 of 4 stars; one submission).

gnomAD v4.1: 2 of 1,614,128 alleles (0.00012%); highest among the groups gnomAD compares: Non-Finnish European, 0.00017%; no homozygotes.

Submission:

Labcorp Genetics (formerly Invitae), Labcorp
Classification: Uncertain significance. Last evaluated: 2022-04-20. Review status: criteria provided, single submitter. Criteria: Invitae Variant Classification Sherloc (09022015). Collection method: clinical testing. Allele origin: germline.
Comment: This variant has not been reported in the literature in individuals affected with LRP2-related conditions. In summary, the available evidence is currently insufficient to determine the role of this variant in disease. Therefore, it has been classified as a Variant of Uncertain Significance. Advanced modeling of protein sequence and biophysical properties (such as structural, functional, and spatial information, amino acid conservation, physicochemical variation, residue mobility, and thermodynamic stability) performed at Invitae indicates that this missense variant is not expected to disrupt LRP2 protein function. This variant is not present in population databases (gnomAD no frequency). This sequence change replaces methionine, which is neutral and non-polar, with arginine, which is basic and polar, at codon 4384 of the LRP2 protein (p.Met4384Arg).

NM_004525.3(LRP2):c.13151T>G (p.Met4384Arg)

Gene: LRP2 (LDL receptor related protein 2; minus strand). Cytogenetic location: 2q31.1.
Variant type: single nucleotide variant.
Coding change: c.13151T>G on transcript NM_004525.3 (MANE Select); coding-DNA position 13151, T replaced by G.
Protein change: p.Met4384Arg; replaces methionine 4384 with arginine.
Molecular consequence: missense variant.
Genome position (GRCh38, 1-based): chr2:169,140,503, A>C on the plus strand (T>G on the coding strand, the complement: LRP2 is on the minus strand). VCF-style: chr2-169140503-A-C. GRCh37 (hg19) VCF-style: chr2-169997013-A-C.
Other names: short protein forms M4384R.
Identifiers: ClinVar variation 2105419 (VCV002105419.4), dbSNP rs1685680714, ClinGen allele CA349158074.